The following is an entry in ClinVar:

ClinVar aggregate classification (germline): Benign/Likely benign. Review status: criteria provided, multiple submitters, no conflicts (2 of 4 stars). 2 submissions from 2 submitters: Benign (1); Likely benign (1). Last evaluated 2024-09-13.

Conditions:
Hereditary cancer-predisposing syndrome. Also called: Hereditary neoplastic syndrome; Tumor predisposition; Neoplastic Syndromes, Hereditary; Hereditary Cancer Syndrome. Identifiers: Orphanet 140162, MedGen C0027672, MeSH D009386, MONDO:0015356.
Hereditary diffuse gastric adenocarcinoma (HDGC). Also called: DIFFUSE GASTRIC AND LOBULAR BREAST CANCER SYNDROME. Identifiers: Orphanet 26106, MedGen C1708349, MONDO:0007648, OMIM 137215.

Submissions (2):

Myriad Genetics, Inc.
Classification: Benign for Hereditary diffuse gastric adenocarcinoma. Last evaluated: 2024-09-13. Review status: criteria provided, single submitter. Criteria: Myriad Autosomal Dominant, Autosomal Recessive and X-Linked Classification Criteria (2023). Collection method: clinical testing. Allele origin: unknown.
Comment: This variant is considered benign. This variant is a silent/synonymous amino acid change and it is not expected to impact splicing.

Ambry Genetics
Classification: Likely benign for Hereditary cancer-predisposing syndrome. Last evaluated: 2023-03-06. Review status: criteria provided, single submitter. Criteria: Ambry Variant Classification Scheme 2023. Collection method: clinical testing. Allele origin: germline.

NM_004360.5(CDH1):c.465C>T (p.Asp155=)

Gene: CDH1 (cadherin 1; plus strand). Cytogenetic location: 16q22.1.
Variant type: single nucleotide variant.
Coding change: c.465C>T on transcript NM_004360.5 (MANE Select); coding-DNA position 465, C replaced by T.
Protein change: p.Asp155=; no amino-acid change (aspartic acid 155 retained).
Molecular consequence: synonymous variant. On other transcripts: 5 prime UTR variant (2).
Genome position (GRCh38, 1-based): chr16:68,808,501, C>T. VCF-style: chr16-68808501-C-T. GRCh37 (hg19) VCF-style: chr16-68842404-C-T.
Other names: c.465C>T, p.Asp155= (NM_001317184.2); c.-1151C>T (NM_001317185.2); c.-1355C>T (NM_001317186.2).
Identifiers: ClinVar variation 2453339 (VCV002453339.3), dbSNP rs1597890615, ClinGen allele CA496392201.